The following is an entry in ClinVar:

NM_000410.4(HFE):c.18G>C (p.Arg6Ser)

Genes: HFE-AS1 (HFE antisense RNA 1; minus strand), HFE (homeostatic iron regulator; plus strand). Cytogenetic location: 6p22.2.
Variant type: single nucleotide variant.
Coding change: c.18G>C on transcript NM_000410.4 (MANE Select); coding-DNA position 18, G replaced by C.
Protein change: p.Arg6Ser; replaces arginine 6 with serine.
Molecular consequence: missense variant. On other transcripts: non-coding transcript variant (1).
Genome position (GRCh38, 1-based): chr6:26,087,458, G>C. VCF-style: chr6-26087458-G-C. GRCh37 (hg19) VCF-style: chr6-26087686-G-C.
Other names: NM_000410.3(HFE):c.18G>C(p.Arg6Ser); NM_001300749.1(HFE):c.18G>C(p.Arg6Ser); NM_139003.2(HFE):c.18G>C(p.Arg6Ser); NM_139004.2(HFE):c.18G>C(p.Arg6Ser); NM_139006.2(HFE):c.18G>C(p.Arg6Ser); NM_139007.2(HFE):c.18G>C(p.Arg6Ser); NM_139008.2(HFE):c.18G>C(p.Arg6Ser); NM_139009.2(HFE):c.18G>C(p.Arg6Ser); and 3 more; short protein forms R6S.
Identifiers: ClinVar variation 216425 (VCV000216425.69), dbSNP rs149342416, ClinGen allele CA338954.

ClinVar aggregate classification (germline): Uncertain significance. Review status: criteria provided, multiple submitters, no conflicts (2 of 4 stars). 14 submissions from 14 submitters: Uncertain significance (12). 2 of the submissions do not count toward it. Last evaluated 2026-04-13.

Conditions:
Hemochromatosis type 1 (HFE1). Also called: HFE-Associated Hereditary Hemochromatosis; HFE-Related Hemochromatosis. Identifiers: Orphanet 465508, MedGen C3469186, MONDO:0021001, OMIM 235200. Disease mechanism: loss of function.
TRANSFERRIN SERUM LEVEL QUANTITATIVE TRAIT LOCUS 2 (TFQTL2). Identifiers: MedGen C3280096, OMIM 614193.
Familial porphyria cutanea tarda (PCT). Also called: PCT, TYPE II; PORPHYRIA CUTANEA TARDA, TYPE II; PORPHYRIA, HEPATOCUTANEOUS TYPE; UROD DEFICIENCY; UROPORPHYRINOGEN DECARBOXYLASE DEFICIENCY; PCT, ''FAMILIAL'' TYPE. Identifiers: Orphanet 101330, Orphanet 443062, MedGen C0268323, MONDO:0008296, OMIM 176100.
Variegate porphyria (VP). Also called: PPOX DEFICIENCY; PORPHYRIA, SOUTH AFRICAN TYPE; PROTOPORPHYRINOGEN OXIDASE DEFICIENCY. Identifiers: Orphanet 79473, MedGen C0162532, MONDO:0008297, OMIM 176200.
Microvascular complications of diabetes, susceptibility to, 7. Identifiers: MedGen C2673520, MONDO:0012971, OMIM 612635.
Alzheimer disease type 1 (AD1). Also called: ALZHEIMER DISEASE, FAMILIAL, 1; ALZHEIMER DISEASE, FAMILIAL, 1, AUTOSOMAL RECESSIVE. Identifiers: MedGen C1863052, MONDO:0007088, OMIM 104300.
Hereditary hemochromatosis (HFE). Identifiers: MedGen C0392514, MONDO:0006507. Disease mechanism: loss of function.
HFE-related disorder. Also called: HFE-related condition.

Allele frequency attached by ClinVar (database versions not stated): ESP Exome Variant Server 0.00054; ExAC 0.00068; gnomAD exomes 0.00069 and 0.00106; gnomAD 0.00070 and 0.00072; TOPMed 0.00070.
gnomAD v4.1: 1,658 of 1,614,002 alleles (0.1%); highest among the groups gnomAD compares: Non-Finnish European, 0.13%; no homozygotes.

Submissions (14):

Dasa
Classification: Uncertain significance for Hemochromatosis type 1. Last evaluated: 2026-04-13. Review status: criteria provided, single submitter. Criteria: DASA Assertion Criteria. Collection method: clinical testing. Allele origin: germline.
Comment: NM_000410.4(HFE):c.18G>C (p.Arg6Ser) is a missense variant that results in the substitution of arginine with serine. This classification is supported by population frequency inconsistent with a disease-causing role. The currently available literature and clinical evidence are not sufficient to establish a definitive association between this variant and the reported condition. Therefore, this variant is classified as a variant of uncertain significance.

Women's Health and Genetics/Laboratory Corporation of America, LabCorp
Classification: Uncertain significance. Last evaluated: 2026-03-03. Review status: criteria provided, single submitter. Criteria: LabCorp Variant Classification Summary - May 2015. Collection method: clinical testing. Allele origin: germline.
Comment: Variant summary: HFE c.18G>C (p.Arg6Ser) results in a non-conservative amino acid change in the encoded protein sequence. Algorithms developed to predict the effect of missense changes on protein structure and function are either unavailable or do not agree on the potential impact of this missense change. The variant allele was found at a frequency of 0.00069 in 250788 control chromosomes. This frequency is not significantly higher than estimated for disease-causing variants in HFE, allowing no conclusion about variant significance. c.18G>C has been observed in at least one individual in a cohort of people suspected of hereditary hemochromatosis and in the heterozygous state in an individual who developed hemochromatosis following a liver transplant from a C282Y heterozygous donor (example: Faria_2016, Wigg_2003). These reports do not provide unequivocal conclusions about association of the variant with Hemochromatosis Type 1. To our knowledge, no experimental evidence demonstrating an impact on protein function has been reported. The following publications have been ascertained in the context of this evaluation (PMID: 27667161, 12584229). ClinVar contains an entry for this variant (Variation ID: 216425). Based on the evidence outlined above, the variant was classified as uncertain significance.

GeneDx
Classification: Uncertain significance. Last evaluated: 2026-02-05. Review status: criteria provided, single submitter. Criteria: GeneDx Variant Classification Process June 2021. Collection method: clinical testing. Allele origin: germline. Affected: yes.
Comment: In silico analysis suggests that this missense variant does not alter protein structure/function; This variant is associated with the following publications: (PMID: 12584229, 27667161)

Blueprint Genetics
Classification: Uncertain significance. Last evaluated: 2024-10-25. Review status: criteria provided, single submitter. Criteria: ACMG Guidelines, 2015. Collection method: clinical testing. Allele origin: germline.

Mayo Clinic Laboratories, Mayo Clinic
Classification: Uncertain significance. Last evaluated: 2024-10-08. Review status: criteria provided, single submitter. Criteria: ACMG Guidelines, 2015. Collection method: clinical testing. Allele origin: germline. Observed: 2 variant alleles.
Comment: BP4

CeGaT Center for Human Genetics Tuebingen
Classification: Uncertain significance. Last evaluated: 2023-08-01. Review status: criteria provided, single submitter. Criteria: CeGaT Center For Human Genetics Tuebingen Variant Classification Criteria Version 2. Collection method: clinical testing. Allele origin: germline. Affected: yes. Observed: 2 variant alleles.

Genome-Nilou Lab
Classification: Uncertain significance for Hemochromatosis type 1. Last evaluated: 2023-02-08. Review status: criteria provided, single submitter. Criteria: ACMG Guidelines, 2015. Collection method: clinical testing. Allele origin: germline.

Fulgent Genetics
Classification: Uncertain significance for Alzheimer disease type 1; Familial porphyria cutanea tarda; Variegate porphyria; Hemochromatosis type 1; Microvascular complications of diabetes, susceptibility to, 7; TRANSFERRIN SERUM LEVEL QUANTITATIVE TRAIT LOCUS 2. Last evaluated: 2021-10-09. Review status: criteria provided, single submitter. Criteria: ACMG Guidelines, 2015. Collection method: clinical testing. Allele origin: unknown.

Labcorp Genetics (formerly Invitae), Labcorp
Classification: Uncertain significance for Hereditary hemochromatosis. Last evaluated: 2021-08-13. Review status: criteria provided, single submitter. Criteria: Invitae Variant Classification Sherloc (09022015). Collection method: clinical testing. Allele origin: germline.
Comment: This sequence change replaces arginine with serine at codon 6 of the HFE protein (p.Arg6Ser). The arginine residue is highly conserved and there is a moderate physicochemical difference between arginine and serine. This variant is present in population databases (rs149342416, ExAC 0.1%). This missense change has been observed in individual(s) with hemochromatosis after receiving a liver transplant from a donor heterozygous for a pathogenic HFE sequence change (PMID: 12584229). ClinVar contains an entry for this variant (Variation ID: 216425). Algorithms developed to predict the effect of missense changes on protein structure and function (SIFT, PolyPhen-2, Align-GVGD) all suggest that this variant is likely to be tolerated. In summary, the available evidence is currently insufficient to determine the role of this variant in disease. Therefore, it has been classified as a Variant of Uncertain Significance.

SIB Swiss Institute of Bioinformatics
Classification: Uncertain significance for Hemochromatosis type 1. Last evaluated: 2018-05-31. Review status: criteria provided, single submitter. Criteria: ACMG Guidelines, 2015. Collection method: curation. Allele origin: unknown.
Comment: This variant is interpreted as a Uncertain Significance - Conflicting Evidence, for Hemochromatosis, type 1, in Autosomal Recessive manner. The following ACMG Tag(s) were applied: PM2 => Absent from controls (or at extremely low frequency if recessive) in Exome Sequencing Project, 1000 Genomes Project, or Exome Aggregation Consortium. BP4 => Multiple lines of computational evidence suggest no impact on gene or gene product (conservation, evolutionary, splicing impact, etc.).

Illumina Laboratory Services, Illumina
Classification: Uncertain significance for Hemochromatosis type 1. Last evaluated: 2017-04-27. Review status: criteria provided, single submitter. Criteria: ICSL Variant Classification Criteria 13 December 2019. Collection method: clinical testing. Allele origin: germline.
Comment: This variant was observed as part of a predisposition screen in an ostensibly healthy population. A literature search was performed for the gene, cDNA change, and amino acid change (where applicable). Publications were found based on this search. However, the evidence from the literature, in combination with allele frequency data from public databases where available, was not sufficient to rule this variant in or out of causing disease. Therefore, this variant is classified as a variant of unknown significance.

Eurofins Ntd Llc (ga)
Classification: Uncertain significance. Last evaluated: 2016-04-22. Review status: criteria provided, single submitter. Criteria: EGL Classification Definitions 2015. Collection method: clinical testing. Allele origin: germline. Observed: 1 variant allele, 1 heterozygote.

PreventionGenetics, part of Exact Sciences
Classification: Uncertain significance for HFE-related condition. Last evaluated: 2024-07-24. Review status: no assertion criteria provided. Collection method: clinical testing. Allele origin: germline. Not counted in ClinVar's aggregate classification.
Comment: The HFE c.18G>C variant is predicted to result in the amino acid substitution p.Arg6Ser. This variant was reported in a heterozygous individual who developed hemochromatosis after receiving a liver transplant by a donor who was a heterozygous carrier for the c.845G>A (p.Cys282Tyr) variant (Wigg et al 2003. PubMed ID: 12584229). Additional studies were not conducted to confirm pathogenicity of the c.18G>C change. This variant is reported in 0.12% of alleles in individuals of European (Non-Finnish) descent in gnomAD. At this time, the clinical significance of this variant is uncertain due to the absence of conclusive functional and genetic evidence.

Clinical Genetics DNA and cytogenetics Diagnostics Lab, Erasmus MC, Erasmus Medical Center
Classification: Uncertain significance. Review status: no assertion criteria provided. Collection method: clinical testing. Allele origin: germline. Affected: yes. Study: VKGL Data-share Consensus. Not counted in ClinVar's aggregate classification.

Literature cited by the submitters: PubMed 27667161 (cited by Women's Health and Genetics/Laboratory Corporation of America, LabCorp); PubMed 12584229 (cited by 4 submitters); PubMed 15350019 (cited by Mayo Clinic Laboratories, Mayo Clinic and Illumina Laboratory Services, Illumina).